The following is an entry in ClinVar:

NM_001009999.3(KDM1A):c.214G>T (p.Gly72Trp)

Gene: KDM1A (lysine demethylase 1A; plus strand). Cytogenetic location: 1p36.12.
Variant type: single nucleotide variant.
Coding change: c.214G>T on transcript NM_001009999.3 (MANE Select); coding-DNA position 214, G replaced by T.
Protein change: p.Gly72Trp; replaces glycine 72 with tryptophan.
Molecular consequence: missense variant.
Genome position (GRCh38, 1-based): chr1:23,019,810, G>T. VCF-style: chr1-23019810-G-T. GRCh37 (hg19) VCF-style: chr1-23346303-G-T.
Other names: c.214G>T, p.Gly72Trp (NM_001363654.2, NM_001410762.1, NM_001410763.1 and 1 more transcripts); short protein forms G72W.
Identifiers: ClinVar variation 4042145 (VCV004042145.1).

ClinVar aggregate classification (germline): Uncertain significance (1 of 4 stars; one submission).

Conditions:
Inborn genetic diseases. Identifiers: MedGen C0950123, MeSH D030342.

Submission:

Ambry Genetics
Classification: Uncertain significance for Inborn genetic diseases. Last evaluated: 2025-05-18. Review status: criteria provided, single submitter. Criteria: Ambry Variant Classification Scheme 2023. Collection method: clinical testing. Allele origin: germline.
Comment: The p.G72W variant (also known as c.214G>T), located in coding exon 1 of the KDM1A gene, results from a G to T substitution at nucleotide position 214. The glycine at codon 72 is replaced by tryptophan, an amino acid with highly dissimilar properties. This amino acid position is conserved. In addition, this alteration is predicted to be tolerated by in silico analysis. Based on the available evidence, the clinical significance of this variant remains unclear.